The following is an entry in ClinVar:

ClinVar aggregate classification (germline): Benign (1 of 4 stars; one submission).

Allele frequency attached by ClinVar (database versions not stated): 1000 Genomes Project 30x 0.02108; 1000 Genomes Project 0.02137; TOPMed 0.02397; gnomAD 0.02764 and 0.02781; gnomAD exomes 0.03607.
gnomAD v4.1: 46,389 of 1,324,856 alleles (3.5%); highest among the groups gnomAD compares: South Asian, 4.9%; 1,067 homozygotes.

Submission:

GeneDx
Classification: Benign. Last evaluated: 2018-06-16. Review status: criteria provided, single submitter. Criteria: GeneDx Variant Classification (06012015). Collection method: clinical testing. Allele origin: germline. Affected: yes.
Comment: This variant is considered likely benign or benign based on one or more of the following criteria: it is a conservative change, it occurs at a poorly conserved position in the protein, it is predicted to be benign by multiple in silico algorithms, and/or has population frequency not consistent with disease.

NM_178012.5(TUBB2B):c.58-70G>A

Gene: TUBB2B (tubulin beta 2B class IIb; minus strand). Cytogenetic location: 6p25.2.
Variant type: single nucleotide variant.
Coding change: c.58-70G>A on transcript NM_178012.5 (MANE Select); 70 bases into the intron before coding-DNA position 58, G replaced by A.
Molecular consequence: intron variant.
Genome position (GRCh38, 1-based): chr6:3,226,739, C>T on the plus strand (G>A on the coding strand, the complement: TUBB2B is on the minus strand). VCF-style: chr6-3226739-C-T. GRCh37 (hg19) VCF-style: chr6-3226973-C-T.
Identifiers: ClinVar variation 670980 (VCV000670980.1), dbSNP rs41300841, ClinGen allele CA12286889.